The following is an entry in ClinVar:

ClinVar aggregate classification (germline): Uncertain significance (1 of 4 stars; one submission).

Allele frequency attached by ClinVar (database versions not stated): TOPMed 0.00001.

Submission:

Ambry Genetics
Classification: Uncertain significance. Last evaluated: 2024-04-23. Review status: criteria provided, single submitter. Criteria: Ambry Variant Classification Scheme 2023. Collection method: clinical testing. Allele origin: germline.
Comment: The p.I667T variant (also known as c.2000T>C), located in coding exon 10 of the PALLD gene, results from a T to C substitution at nucleotide position 2000. The isoleucine at codon 667 is replaced by threonine, an amino acid with similar properties. This amino acid position is conserved. In addition, the in silico prediction for this alteration is inconclusive. Since supporting evidence is limited at this time, the clinical significance of this alteration remains unclear.

NM_001166108.2(PALLD):c.2000T>C (p.Ile667Thr)

Gene: PALLD (palladin, cytoskeletal associated protein; plus strand). Cytogenetic location: 4q32.3.
Variant type: single nucleotide variant.
Coding change: c.2000T>C on transcript NM_001166108.2 (MANE Select); coding-DNA position 2000, T replaced by C.
Protein change: p.Ile667Thr; replaces isoleucine 667 with threonine.
Molecular consequence: missense variant. On other transcripts: 5 prime UTR variant (4).
Genome position (GRCh38, 1-based): chr4:168,890,957, T>C. VCF-style: chr4-168890957-T-C. GRCh37 (hg19) VCF-style: chr4-169812108-T-C.
Other names: c.854T>C, p.Ile285Thr (NM_001166109.2); c.539T>C, p.Ile180Thr (NM_001166110.2); c.-122T>C (NM_001367567.1, NM_001367568.1, NM_001367569.1 and 1 more transcripts); c.2000T>C, p.Ile667Thr (NM_016081.4); short protein forms I285T, I180T, I667T.
Identifiers: ClinVar variation 1784236 (VCV001784236.3), dbSNP rs1754074470, ClinGen allele CA358797127.